The following is an entry in ClinVar:

ClinVar aggregate classification (germline): Uncertain significance (1 of 4 stars; one submission).

Submission:

Labcorp Genetics (formerly Invitae), Labcorp
Classification: Uncertain significance. Last evaluated: 2025-12-15. Review status: criteria provided, single submitter. Criteria: Invitae Variant Classification Sherloc (09022015). Collection method: clinical testing. Allele origin: germline.
Comment: This sequence change replaces aspartic acid, which is acidic and polar, with valine, which is neutral and non-polar, at codon 339 of the TNNI3K protein (p.Asp339Val). This variant is not present in population databases (gnomAD no frequency). This variant has not been reported in the literature in individuals affected with TNNI3K-related conditions. ClinVar contains an entry for this variant (Variation ID: 2827386). Invitae Evidence Modeling of protein sequence and biophysical properties (such as structural, functional, and spatial information, amino acid conservation, physicochemical variation, residue mobility, and thermodynamic stability) has been performed for this missense variant. However, the output from this modeling did not meet the statistical confidence thresholds required to predict the impact of this variant on TNNI3K protein function. In summary, the available evidence is currently insufficient to determine the role of this variant in disease. Therefore, it has been classified as a Variant of Uncertain Significance.

NM_015978.3(TNNI3K):c.1016A>T (p.Asp339Val)

Genes: FPGT-TNNI3K (FPGT-TNNI3K readthrough; plus strand), TNNI3K (TNNI3 interacting kinase; plus strand). Cytogenetic location: 1p31.1.
Variant type: single nucleotide variant.
Coding change: c.1016A>T on transcript NM_015978.3 (MANE Select); coding-DNA position 1016, A replaced by T.
Protein change: p.Asp339Val; replaces aspartic acid 339 with valine.
Molecular consequence: missense variant.
Genome position (GRCh38, 1-based): chr1:74,353,349, A>T. VCF-style: chr1-74353349-A-T. GRCh37 (hg19) VCF-style: chr1-74819033-A-T.
Other names: c.1319A>T, p.Asp440Val (NM_001112808.3, NM_001199327.2); short protein forms D339V, D440V.
Identifiers: ClinVar variation 2827386 (VCV002827386.3), dbSNP rs2524408949, ClinGen allele CA340783862.